The following is an entry in ClinVar:

ClinVar aggregate classification (germline): Pathogenic (1 of 4 stars; one submission).

Submission:

CeGaT Center for Human Genetics Tuebingen
Classification: Pathogenic. Last evaluated: 2026-03-01. Review status: criteria provided, single submitter. Criteria: CeGaT Center For Human Genetics Tuebingen Variant Classification Criteria Version 2. Collection method: clinical testing. Allele origin: germline. Affected: yes. Observed: 2 variant alleles.
Comment: IL2RG: PVS1, PM2, PS4:Moderate, PS1:Supporting

NM_000206.3(IL2RG):c.758-1G>C

Gene: IL2RG (interleukin 2 receptor subunit gamma; minus strand). Cytogenetic location: Xq13.1.
Variant type: single nucleotide variant.
Coding change: c.758-1G>C on transcript NM_000206.3 (MANE Select); the canonical splice acceptor site of the intron before coding-DNA position 758, G replaced by C.
Molecular consequence: splice acceptor variant.
Genome position (GRCh38, 1-based): chrX:71,108,696, C>G on the plus strand (G>C on the coding strand, the complement: IL2RG is on the minus strand). VCF-style: chrX-71108696-C-G. GRCh37 (hg19) VCF-style: chrX-70328546-C-G.
Identifiers: ClinVar variation 1175830 (VCV001175830.35), dbSNP rs886042051, ClinGen allele CA413628837.